The following continues an entry in ClinVar:

NM_175914.5(HNF4A):c.925C>T (p.Arg309Cys)

Gene: HNF4A. ClinVar aggregate classification (germline): Pathogenic. Pathogenic (1).

Submissions 8 to 15 of 15:

Labcorp Genetics (formerly Invitae), Labcorp
Classification: Uncertain significance. Last evaluated: 2023-11-29. Review status: criteria provided, single submitter. Criteria: Invitae Variant Classification Sherloc (09022015). Collection method: clinical testing. Allele origin: germline. Not counted in ClinVar's aggregate classification.
Comment: This sequence change replaces arginine, which is basic and polar, with cysteine, which is neutral and slightly polar, at codon 309 of the HNF4A protein (p.Arg309Cys). This variant is present in population databases (rs193922479, gnomAD 0.002%). This missense change has been observed in individual(s) with clinical features of maturity onset diabetes of the young (PMID: 23348805, 29998026, 36208030, 36257325). This variant is also known as c.964C>T (p.Arg322Cys) or c.991C>T (p.Arg331Cys). ClinVar contains an entry for this variant (Variation ID: 36364). Advanced modeling of protein sequence and biophysical properties (such as structural, functional, and spatial information, amino acid conservation, physicochemical variation, residue mobility, and thermodynamic stability) has been performed at Invitae for this missense variant, however the output from this modeling did not meet the statistical confidence thresholds required to predict the impact of this variant on HNF4A protein function. In summary, the available evidence is currently insufficient to determine the role of this variant in disease. Therefore, it has been classified as a Variant of Uncertain Significance.

Geisinger Clinic, Geisinger Health System
Classification: Pathogenic for Maturity-onset diabetes of the young type 1. Last evaluated: 2022-08-02. Review status: criteria provided, single submitter. Criteria: ACMG Guidelines, 2015. Collection method: research. Allele origin: germline. Inheritance: Autosomal dominant inheritance. Affected: yes. Observed: 3 variant alleles. Not counted in ClinVar's aggregate classification.
Comment: PS4, PM1_supporting, PP1_moderate, PP4_moderate, PP3

Genetics and Molecular Pathology, SA Pathology
Classification: Likely pathogenic for Maturity-onset diabetes of the young type 1. Last evaluated: 2021-12-13. Review status: criteria provided, single submitter. Criteria: ACMG Guidelines, 2015. Collection method: clinical testing. Allele origin: germline. Inheritance: Autosomal dominant inheritance. Affected: yes. Not counted in ClinVar's aggregate classification.

Broad Center for Mendelian Genomics, Broad Institute of MIT and Harvard
Classification: Uncertain significance for Maturity-onset diabetes of the young. Last evaluated: 2020-01-22. Review status: criteria provided, single submitter. Criteria: ACMG Guidelines, 2015. Collection method: curation. Allele origin: germline. Inheritance: Autosomal dominant inheritance. Not counted in ClinVar's aggregate classification.
Comment: Although this variant has been seen in the general population, its frequency is low enough to be consistent with a carrier frequency. Please note that for diseases with clinical variability, or reduced penetrance, pathogenic variants may be present at a low frequency in the general population. This variant has also been reported as a VUS and a likely pathogenic variant in ClinVar (Variation ID: 36364). Computational prediction tools and conservation analyses suggest that this variant may impact the protein, though this information is not predictive enough to determine pathogenicity. In summary, while there is some suspicion for a pathogenic role, the clinical significance of this variant is uncertain. ACMG/AMP Criteria applied: PM2_Supporting, PP3, PS4_Supporting (Richards 2015).

Athena Diagnostics
Classification: Uncertain significance. Last evaluated: 2018-08-30. Review status: criteria provided, single submitter. Criteria: Athena Diagnostics Criteria. Collection method: clinical testing. Allele origin: germline. Not counted in ClinVar's aggregate classification.

Genetic Services Laboratory, University of Chicago
Classification: Likely pathogenic for Hyperinsulinemia. Last evaluated: 2015-06-01. Review status: criteria provided, single submitter. Criteria: ACMG Guidelines, 2015. Collection method: clinical testing. Allele origin: germline. Affected: yes. Not counted in ClinVar's aggregate classification.

Women's Health and Genetics/Laboratory Corporation of America, LabCorp
Classification: Likely pathogenic for MODY1. Last evaluated: 2011-08-18. Review status: criteria provided, single submitter. Criteria: LabCorp Variant Classification Summary - May 2015. Collection method: curation, clinical testing. Allele origin: germline. Inheritance: autosomal dominant. Affected: yes. Observed: 1 variant allele. Not counted in ClinVar's aggregate classification.
ClinVar note: Converted during submission from likely pathogenic to Likely pathogenic.

Cardiovascular Genetics Laboratory, PathWest Laboratory Medicine WA - Fiona Stanley Hospital
Classification: Likely pathogenic for Maturity-onset diabetes of the young type 1. Last evaluated: 2024-03-26. Review status: no assertion criteria provided. Criteria: ACMG Guidelines, 2015. Collection method: clinical testing. Allele origin: germline. Affected: yes. Not counted in ClinVar's aggregate classification.

Literature cited by the submitters: PubMed 23348805 (cited by 4 submitters); PubMed 34789499 (cited by Variantyx, Inc. and Women's Health and Genetics/Laboratory Corporation of America, LabCorp); PubMed 16917892 (cited by 3 submitters); PubMed 36208030 (cited by Women's Health and Genetics/Laboratory Corporation of America, LabCorp and Labcorp Genetics (formerly Invitae), Labcorp); PubMed 36257325 (cited by 4 submitters); PubMed 36504295 (cited by Women's Health and Genetics/Laboratory Corporation of America, LabCorp and Ambry Genetics); PubMed 33770274 (cited by Women's Health and Genetics/Laboratory Corporation of America, LabCorp and Ambry Genetics); PubMed 29998026 (cited by 4 submitters).